The following is an entry in ClinVar:

ClinVar aggregate classification (germline): Conflicting classifications of pathogenicity. Review status: criteria provided, conflicting classifications (1 of 4 stars). 2 submissions from 2 submitters: Uncertain significance (1); Likely benign (1). Last evaluated 2025-12-14.

Conditions:
Hajdu-Cheney syndrome (HJCYS). Also called: ACROOSTEOLYSIS WITH OSTEOPOROSIS AND CHANGES IN SKULL AND MANDIBLE; SERPENTINE FIBULA-POLYCYSTIC KIDNEY SYNDROME; Acroosteolysis dominant type. Identifiers: Orphanet 955, MedGen C0917715, MONDO:0007057, OMIM 102500.
NOTCH2-related disorder. Also called: NOTCH2-related condition.

gnomAD v4.1: 4 of 1,609,256 alleles (0.00025%); highest among the groups gnomAD compares: Admixed American, 0.0017%; no homozygotes.

Submissions (2):

PreventionGenetics, part of Exact Sciences
Classification: Likely benign for NOTCH2-related condition. Last evaluated: 2025-12-14. Review status: criteria provided, single submitter. Criteria: ACMG Guidelines, 2015. Collection method: clinical testing. Allele origin: germline.
Comment: This variant is classified as likely benign based on ACMG/AMP sequence variant interpretation guidelines (Richards et al. 2015 PMID: 25741868, with internal and published modifications).

Labcorp Genetics (formerly Invitae), Labcorp
Classification: Uncertain significance for Hajdu-Cheney syndrome. Last evaluated: 2025-05-25. Review status: criteria provided, single submitter. Criteria: Invitae Variant Classification Sherloc (09022015). Collection method: clinical testing. Allele origin: germline.
Comment: This sequence change falls in intron 22 of the NOTCH2 gene. It does not directly change the encoded amino acid sequence of the NOTCH2 protein. It affects a nucleotide within the consensus splice site. This variant is not present in population databases (gnomAD no frequency). This variant has not been reported in the literature in individuals affected with NOTCH2-related conditions. Variants that disrupt the consensus splice site are a relatively common cause of aberrant splicing (PMID: 17576681, 9536098). Algorithms developed to predict the effect of sequence changes on RNA splicing suggest that this variant is not likely to affect RNA splicing. In summary, the available evidence is currently insufficient to determine the role of this variant in disease. Therefore, it has been classified as a Variant of Uncertain Significance.

Literature cited by the submitters: PubMed 17576681 (cited by Labcorp Genetics (formerly Invitae), Labcorp); PubMed 9536098 (cited by Labcorp Genetics (formerly Invitae), Labcorp).

NM_024408.4(NOTCH2):c.3656-3C>T

Gene: NOTCH2 (notch receptor 2; minus strand). Cytogenetic location: 1p12.
Variant type: single nucleotide variant.
Coding change: c.3656-3C>T on transcript NM_024408.4 (MANE Select); 3 bases into the intron before coding-DNA position 3656, C replaced by T.
Molecular consequence: intron variant.
Genome position (GRCh38, 1-based): chr1:119,929,215, G>A on the plus strand (C>T on the coding strand, the complement: NOTCH2 is on the minus strand). VCF-style: chr1-119929215-G-A. GRCh37 (hg19) VCF-style: chr1-120471838-G-A.
Other names: c.3656-3C>T (NM_024408.3).
Identifiers: ClinVar variation 4765506 (VCV004765506.2).